The following is an entry in ClinVar:

ClinVar aggregate classification (germline): Uncertain significance (0 of 4 stars; one submission).

Conditions:
PLXNA4-related disorder. Also called: PLXNA4-related condition.

gnomAD v4.1: 22 of 1,613,926 alleles (0.0014%); highest among the groups gnomAD compares: Non-Finnish European, 0.0018%; no homozygotes.

Submission:

PreventionGenetics, part of Exact Sciences
Classification: Uncertain significance for PLXNA4-related condition. Last evaluated: 2024-04-02. Review status: no assertion criteria provided. Collection method: clinical testing. Allele origin: germline.
Comment: The PLXNA4 c.941A>T variant is predicted to result in the amino acid substitution p.Tyr314Phe. To our knowledge, this variant has not been reported in the literature. This variant is reported in 0.0016% of alleles in individuals of European (Non-Finnish) descent in gnomAD. At this time, the clinical significance of this variant is uncertain due to the absence of conclusive functional and genetic evidence.

NM_020911.2(PLXNA4):c.941A>T (p.Tyr314Phe)

Gene: PLXNA4 (plexin A4; minus strand). Cytogenetic location: 7q32.3.
Variant type: single nucleotide variant.
Coding change: c.941A>T on transcript NM_020911.2 (MANE Select); coding-DNA position 941, A replaced by T.
Protein change: p.Tyr314Phe; replaces tyrosine 314 with phenylalanine.
Molecular consequence: missense variant.
Genome position (GRCh38, 1-based): chr7:132,507,753, T>A on the plus strand (A>T on the coding strand, the complement: PLXNA4 is on the minus strand). VCF-style: chr7-132507753-T-A. GRCh37 (hg19) VCF-style: chr7-132192512-T-A.
Other names: c.941A>T, p.Tyr314Phe (NM_001105543.2, NM_001393897.1, NM_181775.4); short protein forms Y314F.
Identifiers: ClinVar variation 3353882 (VCV003353882.1).
Genomic context (GRCh38, chr7:132,507,753, plus strand): 5'-AGGTCATCATCTGGATGGACTCCAAGGGTCCTGCCAAGCACGGCCCCCGCTTTGGACAGG[T>A]AGGCAGCCTGCAGCAGGCGGTACTCCACCCCACTGCGCTCACAGCCAATGGGCACCTCTA-3'
Protein context (NP_065962.1, residues 304-324): GVEYRLLQAA[Tyr314Phe]LSKAGAVLGR